The following is an entry in ClinVar:

ClinVar aggregate classification (germline): Likely pathogenic (1 of 4 stars; one submission).

Conditions:
Familial juvenile hyperuricemic nephropathy type 1 (ADTKD1). Also called: Autosomal Dominant Tubulointerstitial Kidney Disease – UMOD; Glomerulocystic kidney disease with hyperuricemia and isosthenuria; Medullary cystic kidney disease 2; UMOD-Associated Kidney Disease; Uromodulin-associated kidney disease. Identifiers: Orphanet 209886, Orphanet 34149, Orphanet 88950, MedGen C4551496, MONDO:0008073, OMIM 162000.

Submission:

MVZ Medizinische Genetik Mainz
Classification: Likely pathogenic for Familial juvenile hyperuricemic nephropathy type 1. Last evaluated: 2024-06-11. Review status: criteria provided, single submitter. Criteria: UK Practice Guidelines For Variant Classification V4 01 2020. Collection method: clinical testing. Allele origin: germline. Inheritance: Autosomal dominant inheritance. Affected: yes. Observed: 1 variant allele.
Comment: ACMG Criteria: PM1,PM5,PP3_MOD,PM2_SUP

NM_003361.4(UMOD):c.248G>T (p.Cys83Phe)

Gene: UMOD (uromodulin; minus strand). Cytogenetic location: 16p12.3.
Variant type: single nucleotide variant.
Coding change: c.248G>T on transcript NM_003361.4 (MANE Select); coding-DNA position 248, G replaced by T.
Protein change: p.Cys83Phe; replaces cysteine 83 with phenylalanine.
Molecular consequence: missense variant. On other transcripts: non-coding transcript variant (1).
Genome position (GRCh38, 1-based): chr16:20,349,053, C>A on the plus strand (G>T on the coding strand, the complement: UMOD is on the minus strand). VCF-style: chr16-20349053-C-A. GRCh37 (hg19) VCF-style: chr16-20360375-C-A.
Other names: c.248G>T, p.Cys83Phe (NM_001008389.3, NM_001378232.1, NM_001378233.1 and 3 more transcripts); c.347G>T, p.Cys116Phe (NM_001278614.2); short protein forms C116F, C83F.
Identifiers: ClinVar variation 3248536 (VCV003248536.1), dbSNP rs2507390595.